The following is an entry in ClinVar:

NM_001001557.4(GDF6):c.1144C>T (p.His382Tyr)

Gene: GDF6 (growth differentiation factor 6; minus strand). Cytogenetic location: 8q22.1.
Variant type: single nucleotide variant.
Coding change: c.1144C>T on transcript NM_001001557.4 (MANE Select); coding-DNA position 1144, C replaced by T.
Protein change: p.His382Tyr; replaces histidine 382 with tyrosine.
Molecular consequence: missense variant.
Genome position (GRCh38, 1-based): chr8:96,144,787, G>A on the plus strand (C>T on the coding strand, the complement: GDF6 is on the minus strand). VCF-style: chr8-96144787-G-A. GRCh37 (hg19) VCF-style: chr8-97157015-G-A.
Other names: short protein forms H382Y.
Identifiers: ClinVar variation 1362584 (VCV001362584.6), dbSNP rs2130205366, ClinGen allele CA371750215.

ClinVar aggregate classification (germline): Uncertain significance (1 of 4 stars; one submission).

Conditions:
Leber congenital amaurosis 17 (LCA17). Identifiers: Orphanet 65, MedGen C3715164, MONDO:0014145, OMIM 615360.
Microphthalmia, isolated, with coloboma 6 (MCOPCB6). Also called: Microphthalmia with coloboma 6, digenic; Microphthalmia with coloboma 6; MICROPHTHALMIA/COLOBOMA 6. Identifiers: Orphanet 98938, MedGen C3150968, MONDO:0013376, OMIM 613703.
Klippel-Feil syndrome 1, autosomal dominant (KFS1). Also called: CERVICAL VERTEBRAL FUSION, AUTOSOMAL DOMINANT. Identifiers: Orphanet 2345, MedGen C1861689, MONDO:0007306, OMIM 118100.
Isolated microphthalmia 4. Identifiers: Orphanet 2542, MedGen C2751307, MONDO:0013130, OMIM 613094.

Submission:

Labcorp Genetics (formerly Invitae), Labcorp
Classification: Uncertain significance for Isolated microphthalmia 4; Leber congenital amaurosis 17; Klippel-Feil syndrome 1, autosomal dominant; Microphthalmia, isolated, with coloboma 6. Last evaluated: 2021-10-07. Review status: criteria provided, single submitter. Criteria: Invitae Variant Classification Sherloc (09022015). Collection method: clinical testing. Allele origin: germline.
Comment: This sequence change replaces histidine with tyrosine at codon 382 of the GDF6 protein (p.His382Tyr). The histidine residue is highly conserved and there is a moderate physicochemical difference between histidine and tyrosine. This variant is not present in population databases (ExAC no frequency). This variant has not been reported in the literature in individuals affected with GDF6-related conditions. Algorithms developed to predict the effect of missense changes on protein structure and function (SIFT, PolyPhen-2, Align-GVGD) all suggest that this variant is likely to be disruptive. In summary, the available evidence is currently insufficient to determine the role of this variant in disease. Therefore, it has been classified as a Variant of Uncertain Significance.